The following is an entry in ClinVar:

ClinVar aggregate classification (germline): Pathogenic (1 of 4 stars; one submission).

Conditions:
Hereditary breast ovarian cancer syndrome. Also called: Hereditary breast and ovarian cancer syndrome; Hereditary breast and/or ovarian cancer syndrome; Hereditary breast and ovarian cancer; Hereditary breast and ovarian cancer syndrome (HBOC); Breast and ovarian cancer; BRCA1- and BRCA2-Associated Hereditary Breast and Ovarian Cancer. Identifiers: Orphanet 145, MedGen C0677776, MeSH D061325, MONDO:0003582. Disease mechanism: loss of function.

Submission:

Labcorp Genetics (formerly Invitae), Labcorp
Classification: Pathogenic for Hereditary breast ovarian cancer syndrome. Last evaluated: 2024-12-24. Review status: criteria provided, single submitter. Criteria: Invitae Variant Classification Sherloc (09022015). Collection method: clinical testing. Allele origin: germline.
Comment: This sequence change creates a premature translational stop signal (p.Val35Alafs*15) in the BRCA1 gene. It is expected to result in an absent or disrupted protein product. Loss-of-function variants in BRCA1 are known to be pathogenic (PMID: 20104584). This variant is not present in population databases (gnomAD no frequency). This variant has not been reported in the literature in individuals affected with BRCA1-related conditions. For these reasons, this variant has been classified as Pathogenic.

Literature cited by the submitters: PubMed 20104584.

NM_007294.4(BRCA1):c.104del (p.Val35fs)

Gene: BRCA1 (BRCA1 DNA repair associated; minus strand). Cytogenetic location: 17q21.31.
Variant type: Deletion.
Coding change: c.104del on transcript NM_007294.4 (MANE Select); coding-DNA position 104, one base deleted (T; older notation c.104delT).
Protein change: p.Val35fs; shifts the reading frame from valine 35.
Molecular consequence: frameshift variant. On other transcripts: 5 prime UTR variant (132), intron variant (41).
Genome position (GRCh38, 1-based): chr17:43,115,756, A deleted on the plus strand (T on the coding strand, the reverse complement: BRCA1 is on the minus strand). VCF-style (leftmost placement, unchanged base first): chr17-43115755-GA-G. GRCh37 (hg19) VCF-style: chr17-41267772-GA-G.
Other names: c.-85del (NM_001407908.1, NM_001407909.1, NM_001407910.1 and 52 more transcripts); c.104del, p.Val35fs (NM_001407919.1, NM_001407937.1, NM_001407938.1 and 191 more transcripts); c.-38del (NM_001407920.1, NM_001407921.1, NM_001407922.1 and 47 more transcripts); c.-154del (NM_001407930.1, NM_001407731.1, NM_001407733.1 and 13 more transcripts); c.-34del (NM_001407841.1); c.-201del (NM_001407889.1, NM_001407900.1, NM_001408492.1); c.-200del (NM_001407960.1, NM_001407962.1, NM_001408510.1 and 1 more transcripts); c.-316del (NM_001407965.1); and 10 more; short protein forms V35fs.
Identifiers: ClinVar variation 3726007 (VCV003726007.2).